The following is an entry in ClinVar:

ClinVar aggregate classification (germline): Conflicting classifications of pathogenicity. Review status: criteria provided, conflicting classifications (1 of 4 stars). 3 submissions from 3 submitters: Uncertain significance (1); Benign (1). 1 of the submissions does not count toward it. Last evaluated 2024-03-21.

Conditions:
Menkes kinky-hair syndrome (MNK). Also called: Menkes Disease; Classic Menkes Disease; Copper transport disease. Identifiers: Orphanet 565, MedGen C0022716, MONDO:0010651, OMIM 309400.
Cutis laxa, X-linked (OHS). Also called: EDS IX; Occipital horn syndrome. Identifiers: Orphanet 198, MedGen C0268353, MONDO:0010572, OMIM 304150.
X-linked distal spinal muscular atrophy type 3. Also called: SPINAL MUSCULAR ATROPHY, DISTAL, X-LINKED RECESSIVE; ATP7A-Related Distal Motor Neuropathy; NEURONOPATHY, DISTAL HEREDITARY MOTOR, X-LINKED; NEUROPATHY, DISTAL HEREDITARY MOTOR, X-LINKED. Identifiers: Orphanet 139557, MedGen C1845359, MONDO:0010338, OMIM 300489.

Allele frequency attached by ClinVar (database versions not stated): TOPMed below 0.00001; ExAC 0.00001; gnomAD exomes 0.00001; gnomAD 0.00002; ESP Exome Variant Server 0.00009.
gnomAD v4.1: 2 of 1,210,196 alleles (0.00017%); highest among the groups gnomAD compares: African/African-American, 0.0035%; no homozygotes.

Submissions (3):

Labcorp Genetics (formerly Invitae), Labcorp
Classification: Benign for X-linked distal spinal muscular atrophy type 3; Cutis laxa, X-linked; Menkes kinky-hair syndrome. Last evaluated: 2024-03-21. Review status: criteria provided, single submitter. Criteria: Invitae Variant Classification Sherloc (09022015). Collection method: clinical testing. Allele origin: germline.

GeneDx
Classification: Uncertain significance. Last evaluated: 2020-09-23. Review status: criteria provided, single submitter. Criteria: GeneDx Variant Classification Process June 2021. Collection method: clinical testing. Allele origin: germline. Affected: yes.
Comment: Has not been previously published as pathogenic or benign to our knowledge; In silico analysis, which includes protein predictors and evolutionary conservation, supports that this variant does not alter protein structure/function; Not observed at a significant frequency in large population cohorts (Lek et al., 2016)

Natera, Inc.
Classification: Uncertain significance for Menkes kinky hair syndrome. Last evaluated: 2021-07-20. Review status: no assertion criteria provided. Collection method: clinical testing. Allele origin: germline. Not counted in ClinVar's aggregate classification.

NM_000052.7(ATP7A):c.1375T>C (p.Ser459Pro)

Gene: ATP7A (ATPase copper transporting alpha; plus strand). Cytogenetic location: Xq21.1.
Variant type: single nucleotide variant.
Coding change: c.1375T>C on transcript NM_000052.7 (MANE Select); coding-DNA position 1375, T replaced by C.
Protein change: p.Ser459Pro; replaces serine 459 with proline.
Molecular consequence: missense variant.
Genome position (GRCh38, 1-based): chrX:77,998,516, T>C. VCF-style: chrX-77998516-T-C. GRCh37 (hg19) VCF-style: chrX-77254013-T-C.
Other names: c.1375T>C, p.Ser459Pro (NM_001282224.2); short protein forms S459P.
Identifiers: ClinVar variation 546531 (VCV000546531.9), dbSNP rs374530062, ClinGen allele CA10459043.